The following is an entry in ClinVar:

ClinVar aggregate classification (germline): Uncertain significance (1 of 4 stars; one submission).

Allele frequency attached by ClinVar (database versions not stated): gnomAD exomes below 0.00001.
gnomAD v4.1: 1 of 1,613,978 alleles (0.000062%); highest among the groups gnomAD compares: Non-Finnish European, 0.000085%; no homozygotes.

Submission:

Ambry Genetics
Classification: Uncertain significance. Last evaluated: 2021-07-08. Review status: criteria provided, single submitter. Criteria: Ambry Variant Classification Scheme 2023. Collection method: clinical testing. Allele origin: germline.
Comment: The p.R699G variant (also known as c.2095A>G), located in coding exon 18 of the BUB1 gene, results from an A to G substitution at nucleotide position 2095. The arginine at codon 699 is replaced by glycine, an amino acid with dissimilar properties. This amino acid position is conserved. In addition, this alteration is predicted to be tolerated by in silico analysis. Since supporting evidence is limited at this time, the clinical significance of this alteration remains unclear.

NM_004336.5(BUB1):c.2095A>G (p.Arg699Gly)

Gene: BUB1 (BUB1 mitotic checkpoint serine/threonine kinase; minus strand). Cytogenetic location: 2q13.
Variant type: single nucleotide variant.
Coding change: c.2095A>G on transcript NM_004336.5 (MANE Select); coding-DNA position 2095, A replaced by G.
Protein change: p.Arg699Gly; replaces arginine 699 with glycine.
Molecular consequence: missense variant.
Genome position (GRCh38, 1-based): chr2:110,650,654, T>C on the plus strand (A>G on the coding strand, the complement: BUB1 is on the minus strand). VCF-style: chr2-110650654-T-C. GRCh37 (hg19) VCF-style: chr2-111408231-T-C.
Other names: c.2035A>G, p.Arg679Gly (NM_001278616.2); c.2095A>G, p.Arg699Gly (NM_001278617.2); short protein forms R679G, R699G.
Identifiers: ClinVar variation 1785782 (VCV001785782.2), dbSNP rs2467990912, ClinGen allele CA348209911.